The following is an entry in ClinVar:

NM_000629.3(IFNAR1):c.835C>A (p.Gln279Lys)

Gene: IFNAR1 (interferon alpha and beta receptor subunit 1; plus strand). Cytogenetic location: 21q22.11.
Variant type: single nucleotide variant.
Coding change: c.835C>A on transcript NM_000629.3 (MANE Select); coding-DNA position 835, C replaced by A.
Protein change: p.Gln279Lys; replaces glutamine 279 with lysine.
Molecular consequence: missense variant.
Genome position (GRCh38, 1-based): chr21:33,349,137, C>A. VCF-style: chr21-33349137-C-A. GRCh37 (hg19) VCF-style: chr21-34721443-C-A.
Other names: c.835C>A, p.Gln279Lys (NM_001384498.1, NM_001384499.1, NM_001384503.1); c.73C>A, p.Gln25Lys (NM_001384500.1); c.820C>A, p.Gln274Lys (NM_001384501.1); c.373C>A, p.Gln125Lys (NM_001384502.1); c.628C>A, p.Gln210Lys (NM_001384504.1); short protein forms Q125K, Q210K, Q25K, Q274K, Q279K.
Identifiers: ClinVar variation 2652604 (VCV002652604.24), dbSNP rs1343437261, ClinGen allele CA410108294.

ClinVar aggregate classification (germline): Uncertain significance (1 of 4 stars; one submission).

gnomAD v4.1: 1 of 1,612,442 alleles (0.000062%); highest among the groups gnomAD compares: Non-Finnish European, 0.000085%; no homozygotes.

Submission:

CeGaT Center for Human Genetics Tuebingen
Classification: Uncertain significance. Last evaluated: 2023-01-01. Review status: criteria provided, single submitter. Criteria: CeGaT Center For Human Genetics Tuebingen Variant Classification Criteria Version 2. Collection method: clinical testing. Allele origin: germline. Affected: yes. Observed: 1 variant allele.
Comment: IFNAR1: PM2, BP4